The following is an entry in ClinVar:

NM_003239.5(TGFB3):c.858C>A (p.His286Gln)

Gene: TGFB3 (transforming growth factor beta 3; minus strand). Cytogenetic location: 14q24.3.
Variant type: single nucleotide variant.
Coding change: c.858C>A on transcript NM_003239.5 (MANE Select); coding-DNA position 858, C replaced by A.
Protein change: p.His286Gln; replaces histidine 286 with glutamine.
Molecular consequence: missense variant.
Genome position (GRCh38, 1-based): chr14:75,963,384, G>T on the plus strand (C>A on the coding strand, the complement: TGFB3 is on the minus strand). VCF-style: chr14-75963384-G-T. GRCh37 (hg19) VCF-style: chr14-76429727-G-T.
Other names: c.858C>A, p.His286Gln (NM_001329938.2, NM_001329939.2); short protein forms H286Q.
Identifiers: ClinVar variation 3455807 (VCV003455807.1).

ClinVar aggregate classification (germline): Uncertain significance (1 of 4 stars; one submission).

Conditions:
Familial thoracic aortic aneurysm and aortic dissection (TAAD). Also called: Thoracic aortic aneurysms and dissections. Identifiers: Orphanet 91387, MedGen C4707243, MONDO:0019625.

gnomAD v4.1: 3 of 1,614,194 alleles (0.00019%); highest among the groups gnomAD compares: Middle Eastern, 0.033%; no homozygotes.

Submission:

Ambry Genetics
Classification: Uncertain significance for Familial thoracic aortic aneurysm and aortic dissection. Last evaluated: 2024-06-28. Review status: criteria provided, single submitter. Criteria: Ambry Variant Classification Scheme 2023. Collection method: clinical testing. Allele origin: germline.
Comment: The p.H286Q variant (also known as c.858C>A), located in coding exon 5 of the TGFB3 gene, results from a C to A substitution at nucleotide position 858. The histidine at codon 286 is replaced by glutamine, an amino acid with highly similar properties. This amino acid position is conserved. In addition, this alteration is predicted to be tolerated by in silico analysis. Based on the available evidence, the clinical significance of this variant remains unclear.